The following is an entry in ClinVar:

ClinVar aggregate classification (germline): Benign/Likely benign. Review status: criteria provided, multiple submitters, no conflicts (2 of 4 stars). 6 submissions from 6 submitters: Benign (2); Likely benign (3). 1 of the submissions does not count toward it. Last evaluated 2026-01-29.

Conditions:
PAX5-related disorder. Also called: PAX5-related condition.

Allele frequency attached by ClinVar (database versions not stated): ESP Exome Variant Server 0.00023; TOPMed 0.00057; gnomAD exomes 0.00129 and 0.00327; gnomAD 0.00235 and 0.00238; 1000 Genomes Project 0.00280; 1000 Genomes Project 30x 0.00297; ExAC 0.00316.
gnomAD v4.1: 2,300 of 1,605,240 alleles (0.14%); highest among the groups gnomAD compares: East Asian, 0.75%; 24 homozygotes.

Submissions (6):

PreventionGenetics, part of Exact Sciences
Classification: Likely benign for PAX5-related condition. Last evaluated: 2026-01-29. Review status: criteria provided, single submitter. Criteria: ACMG Guidelines, 2015. Collection method: clinical testing. Allele origin: germline.
Comment: This variant is classified as likely benign based on ACMG/AMP sequence variant interpretation guidelines (Richards et al. 2015 PMID: 25741868, with internal and published modifications).

Labcorp Genetics (formerly Invitae), Labcorp
Classification: Benign. Last evaluated: 2025-12-01. Review status: criteria provided, single submitter. Criteria: Invitae Variant Classification Sherloc (09022015). Collection method: clinical testing. Allele origin: germline.

Blueprint Genetics
Classification: Likely benign. Last evaluated: 2024-11-20. Review status: criteria provided, single submitter. Criteria: ACMG Guidelines, 2015. Collection method: clinical testing. Allele origin: germline.

GeneDx
Classification: Likely benign. Last evaluated: 2024-02-16. Review status: criteria provided, single submitter. Criteria: GeneDx Variant Classification Process June 2021. Collection method: clinical testing. Allele origin: germline. Affected: yes.
Comment: See Variant Classification Assertion Criteria.

Genetic Services Laboratory, University of Chicago
Classification: Benign. Last evaluated: 2020-04-28. Review status: criteria provided, single submitter. Criteria: ACMG Guidelines, 2015. Collection method: clinical testing. Allele origin: germline. Affected: no.

ITMI
No classification provided. Condition: AllHighlyPenetrant. Last evaluated: 2013-09-19. Review status: no classification provided. Collection method: reference population. Allele origin: germline. Not counted in ClinVar's aggregate classification.
Comment: Please see associated publication for description of ethnicities

Literature cited by the submitters: PubMed 24728327 (cited by ITMI).

NM_016734.3(PAX5):c.6T>A (p.Asp2Glu)

Gene: PAX5 (paired box 5; minus strand). Cytogenetic location: 9p13.2.
Variant type: single nucleotide variant.
Coding change: c.6T>A on transcript NM_016734.3 (MANE Select); coding-DNA position 6, T replaced by A.
Protein change: p.Asp2Glu; replaces aspartic acid 2 with glutamic acid.
Molecular consequence: missense variant. On other transcripts: 5 prime UTR variant (2), non-coding transcript variant (2).
Genome position (GRCh38, 1-based): chr9:37,034,026, A>T on the plus strand (T>A on the coding strand, the complement: PAX5 is on the minus strand). VCF-style: chr9-37034026-A-T. GRCh37 (hg19) VCF-style: chr9-37034023-A-T.
Other names: c.6T>A, p.Asp2Glu (NM_001280547.2, NM_001280548.2, NM_001280549.2 and 5 more transcripts); c.-153T>A (NM_001280551.2, NM_001280556.2); short protein forms D2E.
Identifiers: ClinVar variation 134997 (VCV000134997.16), dbSNP rs139701864, ClinGen allele CA161358.